The following is an entry in ClinVar:

NM_002335.4(LRP5):c.3844G>A (p.Gly1282Ser)

Gene: LRP5 (LDL receptor related protein 5; plus strand). Cytogenetic location: 11q13.2.
Variant type: single nucleotide variant.
Coding change: c.3844G>A on transcript NM_002335.4 (MANE Select); coding-DNA position 3844, G replaced by A.
Protein change: p.Gly1282Ser; replaces glycine 1282 with serine.
Molecular consequence: missense variant.
Genome position (GRCh38, 1-based): chr11:68,433,682, G>A. VCF-style: chr11-68433682-G-A. GRCh37 (hg19) VCF-style: chr11-68201150-G-A.
Other names: c.2101G>A, p.Gly701Ser (NM_001291902.2); short protein forms G1282S, G701S.
Identifiers: ClinVar variation 943061 (VCV000943061.12), dbSNP rs747015625, ClinGen allele CA6150129.

ClinVar aggregate classification (germline): Uncertain significance. Review status: criteria provided, multiple submitters, no conflicts (2 of 4 stars). 4 submissions from 4 submitters: Uncertain significance (4). Last evaluated 2024-05-23.

Conditions:
Polycystic liver disease 4 with or without kidney cysts. Identifiers: MedGen C4693479, MONDO:0044327, OMIM 617875.
Exudative vitreoretinopathy 4 (EVR4). Identifiers: Orphanet 891, MedGen C1866176, MONDO:0011151, OMIM 601813.
Osteoporosis with pseudoglioma (OPPG). Also called: osteoporosis-pseudoglioma syndrome. Identifiers: Orphanet 2788, MedGen C0432252, MONDO:0009820, OMIM 259770.
Autosomal dominant osteopetrosis 1 (OPTA1). Also called: OSTEOPETROSIS, AUTOSOMAL DOMINANT, TYPE I. Identifiers: Orphanet 2783, MedGen C1843330, MONDO:0011877, OMIM 607634.
Bone mineral density quantitative trait locus 1 (BMND1). Identifiers: MedGen C1866079, OMIM 601884.
Worth disease. Also called: Autosomal dominant osteosclerosis, Worth type; ENDOSTEAL HYPEROSTOSIS, AUTOSOMAL DOMINANT; OSTEOSCLEROSIS, AUTOSOMAL DOMINANT. Identifiers: Orphanet 2790, MedGen C0432273, MONDO:0007764, OMIM 144750.

Allele frequency attached by ClinVar (database versions not stated): ExAC 0.00001; gnomAD exomes 0.00001 and 0.00002.
gnomAD v4.1: 12 of 1,613,316 alleles (0.00074%); highest among the groups gnomAD compares: Admixed American, 0.005%; no homozygotes.

Submissions (4):

Fulgent Genetics
Classification: Uncertain significance for Worth disease; Osteoporosis with pseudoglioma; Exudative vitreoretinopathy 4; Bone mineral density quantitative trait locus 1; Autosomal dominant osteopetrosis 1; Polycystic liver disease 4 with or without kidney cysts. Last evaluated: 2024-05-23. Review status: criteria provided, single submitter. Criteria: ACMG Guidelines, 2015. Collection method: clinical testing. Allele origin: germline.

Labcorp Genetics (formerly Invitae), Labcorp
Classification: Uncertain significance. Last evaluated: 2023-12-25. Review status: criteria provided, single submitter. Criteria: Invitae Variant Classification Sherloc (09022015). Collection method: clinical testing. Allele origin: germline.
Comment: This sequence change replaces glycine, which is neutral and non-polar, with serine, which is neutral and polar, at codon 1282 of the LRP5 protein (p.Gly1282Ser). This variant is present in population databases (rs747015625, gnomAD 0.01%). This variant has not been reported in the literature in individuals affected with LRP5-related conditions. ClinVar contains an entry for this variant (Variation ID: 943061). Advanced modeling of protein sequence and biophysical properties (such as structural, functional, and spatial information, amino acid conservation, physicochemical variation, residue mobility, and thermodynamic stability) performed at Invitae indicates that this missense variant is not expected to disrupt LRP5 protein function with a negative predictive value of 95%. In summary, the available evidence is currently insufficient to determine the role of this variant in disease. Therefore, it has been classified as a Variant of Uncertain Significance.

Johns Hopkins Genomics, Johns Hopkins University
Classification: Uncertain significance for Polycystic liver disease 4 with or without kidney cysts. Last evaluated: 2020-10-22. Review status: criteria provided, single submitter. Criteria: ACMG Guidelines, 2015. Collection method: clinical testing. Allele origin: germline.
Comment: This LRP5 variant (rs747015625) is rare (<0.1%) in a large population dataset (gnomAD: 4/249954 total alleles; 0.002%; no homozygotes) and has not been reported in the literature, to our knowledge. This variant has been reported in ClinVar. Of three bioinformatics tools queried, two predict that the substitution would be damaging, while one predicts that it would be tolerated. The glycine residue at this position is highly evolutionarily conserved across all species assessed. Due to insufficient evidence that this variant is deleterious, we consider the clinical significance of c.3844G>A to be uncertain at this time.

Breakthrough Genomics
Classification: Uncertain significance. Review status: criteria provided, single submitter. Criteria: ACMG Guidelines, 2015. Collection method: not provided. Allele origin: germline. Inheritance: Autosomal recessive inheritance. Affected: yes.